The following is an entry in ClinVar:

ClinVar aggregate classification (germline): Uncertain significance (1 of 4 stars; one submission).

Conditions:
Hereditary pancreatitis (PCTT). Also called: Hereditary chronic pancreatitis; PRSS1-Related Hereditary Pancreatitis. Identifiers: Orphanet 676, MedGen C0238339, MONDO:0008185, OMIM 167800.

Submission:

Ambry Genetics
Classification: Uncertain significance for Hereditary pancreatitis. Last evaluated: 2024-12-06. Review status: criteria provided, single submitter. Criteria: Ambry Variant Classification Scheme 2023. Collection method: clinical testing. Allele origin: germline.
Comment: The p.K161M variant (also known as c.482A>T), located in coding exon 4 of the CPA1 gene, results from an A to T substitution at nucleotide position 482. The lysine at codon 161 is replaced by methionine, an amino acid with similar properties. This amino acid position is conserved. In addition, the in silico prediction for this alteration is inconclusive. Based on the available evidence, the clinical significance of this variant remains unclear.

NM_001868.4(CPA1):c.482A>T (p.Lys161Met)

Gene: CPA1 (carboxypeptidase A1; plus strand). Cytogenetic location: 7q32.2.
Variant type: single nucleotide variant.
Coding change: c.482A>T on transcript NM_001868.4 (MANE Select); coding-DNA position 482, A replaced by T.
Protein change: p.Lys161Met; replaces lysine 161 with methionine.
Molecular consequence: missense variant.
Genome position (GRCh38, 1-based): chr7:130,382,208, A>T. VCF-style: chr7-130382208-A-T. GRCh37 (hg19) VCF-style: chr7-130022049-A-T.
Other names: short protein forms K161M.
Identifiers: ClinVar variation 3496230 (VCV003496230.1).